The following is an entry in ClinVar:

ClinVar aggregate classification (germline): Uncertain significance (1 of 4 stars; one submission).

Allele frequency attached by ClinVar (database versions not stated): gnomAD exomes below 0.00001.
gnomAD v4.1: 1 of 1,614,154 alleles (0.000062%); highest among the groups gnomAD compares: South Asian, 0.0011%; no homozygotes.

Submission:

Quest Diagnostics Nichols Institute San Juan Capistrano
Classification: Uncertain significance. Last evaluated: 2023-01-13. Review status: criteria provided, single submitter. Criteria: Quest Diagnostics criteria. Collection method: clinical testing. Allele origin: unknown.
Comment: This variant disrupts a canonical splice-acceptor site and is predicted to interfere with normal GALNT12 mRNA splicing. To the best of our knowledge, the variant has not been reported in online databases or the published literature. It also has not been reported in large, multi-ethnic general populations. Based on the available information, we are unable to determine the clinical significance of this variant.

NM_024642.5(GALNT12):c.1036-1G>T

Gene: GALNT12 (polypeptide N-acetylgalactosaminyltransferase 12; plus strand). Cytogenetic location: 9q22.33.
Variant type: single nucleotide variant.
Coding change: c.1036-1G>T on transcript NM_024642.5 (MANE Select); the canonical splice acceptor site of the intron before coding-DNA position 1036, G replaced by T.
Molecular consequence: splice acceptor variant.
Genome position (GRCh38, 1-based): chr9:98,836,971, G>T. VCF-style: chr9-98836971-G-T. GRCh37 (hg19) VCF-style: chr9-101599253-G-T.
Identifiers: ClinVar variation 2681950 (VCV002681950.1), dbSNP rs1836167693, ClinGen allele CA374219585.